The following is an entry in ClinVar:

ClinVar aggregate classification (germline): Likely benign. Review status: criteria provided, single submitter (1 of 4 stars). 2 submissions from 2 submitters: Likely benign (1). 1 of the submissions does not count toward it. Last evaluated 2026-01-13.

Conditions:
NEB-related disorder. Also called: NEB-related condition; NEB-Related Disorders.
Nemaline myopathy 2 (NEM2). Also called: Nemaline myopathy 2, autosomal recessive. Identifiers: MedGen C1850569, MONDO:0009725, OMIM 256030.

Allele frequency attached by ClinVar (database versions not stated): TOPMed below 0.00001; gnomAD exomes 0.00001; gnomAD 0.00006.
gnomAD v4.1: 19 of 1,613,302 alleles (0.0012%); highest among the groups gnomAD compares: Non-Finnish European, 0.0016%; no homozygotes.

Submissions (2):

Labcorp Genetics (formerly Invitae), Labcorp
Classification: Likely benign for Nemaline myopathy 2. Last evaluated: 2026-01-13. Review status: criteria provided, single submitter. Criteria: Invitae Variant Classification Sherloc (09022015). Collection method: clinical testing. Allele origin: germline.

PreventionGenetics, part of Exact Sciences
Classification: Likely benign for NEB-related condition. Last evaluated: 2023-10-02. Review status: no assertion criteria provided. Collection method: clinical testing. Allele origin: germline. Not counted in ClinVar's aggregate classification.
Comment: This variant is classified as likely benign based on ACMG/AMP sequence variant interpretation guidelines (Richards et al. 2015 PMID: 25741868, with internal and published modifications).

NM_001164508.2(NEB):c.5925G>A (p.Ser1975=)

Gene: NEB (nebulin; minus strand). Cytogenetic location: 2q23.3.
Variant type: single nucleotide variant.
Coding change: c.5925G>A on transcript NM_001164508.2 (MANE Select); coding-DNA position 5925, G replaced by A.
Protein change: p.Ser1975=; no amino-acid change (serine 1975 retained).
Molecular consequence: synonymous variant.
Genome position (GRCh38, 1-based): chr2:151,662,180, C>T on the plus strand (G>A on the coding strand, the complement: NEB is on the minus strand). VCF-style: chr2-151662180-C-T. GRCh37 (hg19) VCF-style: chr2-152518694-C-T.
Other names: c.5925G>A, p.Ser1975= (NM_001164507.2, NM_001271208.2, NM_004543.5).
Identifiers: ClinVar variation 744338 (VCV000744338.12), dbSNP rs1206630690, ClinGen allele CA429238941.